The following is an entry in ClinVar:

ClinVar aggregate classification (germline): Uncertain significance (1 of 4 stars; one submission).

Submission:

Ambry Genetics
Classification: Uncertain significance. Last evaluated: 2021-12-22. Review status: criteria provided, single submitter. Criteria: Ambry Variant Classification Scheme 2023. Collection method: clinical testing. Allele origin: germline.
Comment: The c.634delC variant, located in coding exon 3 of the GALNT12 gene, results from a deletion of one nucleotide at nucleotide position 634, causing a translational frameshift with a predicted alternate stop codon (p.R212Gfs*13). This alteration is expected to result in loss of function by premature protein truncation or nonsense-mediated mRNA decay. The evidence for this gene-disease relationship is limited; therefore, the clinical significance of this alteration is unclear.

NM_024642.5(GALNT12):c.634del (p.Arg212fs)

Gene: GALNT12 (polypeptide N-acetylgalactosaminyltransferase 12; plus strand). Cytogenetic location: 9q22.33.
Variant type: Deletion.
Coding change: c.634del on transcript NM_024642.5 (MANE Select); coding-DNA position 634, one base deleted (C; older notation c.634delC).
Protein change: p.Arg212fs; shifts the reading frame from arginine 212.
Molecular consequence: frameshift variant.
Genome position (GRCh38, 1-based): chr9:98,826,844, C deleted; the last of 3 consecutive C bases (chr9:98,826,842-98,826,844); deleting any one gives the same sequence. VCF-style (leftmost placement, unchanged base first): chr9-98826841-GC-G. GRCh37 (hg19) VCF-style: chr9-101589123-GC-G.
Other names: short protein forms R212fs.
Identifiers: ClinVar variation 1752997 (VCV001752997.2), dbSNP rs2490501933, ClinGen allele CA2579399231.